The following is an entry in ClinVar:

NM_015627.3(LDLRAP1):c.190G>A (p.Glu64Lys)

Gene: LDLRAP1 (low density lipoprotein receptor adaptor protein 1; plus strand). Cytogenetic location: 1p36.11.
Variant type: single nucleotide variant.
Coding change: c.190G>A on transcript NM_015627.3 (MANE Select); coding-DNA position 190, G replaced by A.
Protein change: p.Glu64Lys; replaces glutamic acid 64 with lysine.
Molecular consequence: missense variant.
Genome position (GRCh38, 1-based): chr1:25,554,023, G>A. VCF-style: chr1-25554023-G-A. GRCh37 (hg19) VCF-style: chr1-25880514-G-A.
Other names: c.190G>A (NM_015627.2); short protein forms E64K.
Identifiers: ClinVar variation 1396668 (VCV001396668.9), dbSNP rs2124664130, ClinGen allele CA339077799.

ClinVar aggregate classification (germline): Uncertain significance. Review status: criteria provided, multiple submitters, no conflicts (2 of 4 stars). 2 submissions from 2 submitters: Uncertain significance (2). Last evaluated 2025-11-26.

Conditions:
Hypercholesterolemia, familial, 4 (FHCL4). Also called: HYPERCHOLESTEROLEMIA, AUTOSOMAL RECESSIVE, 1; HYPERCHOLESTEROLEMIA, AUTOSOMAL RECESSIVE, 2. Identifiers: Orphanet 391665, MedGen C1863512, MONDO:0011374, OMIM 603813.
Cardiovascular phenotype. Identifiers: MedGen CN230736.

Submissions (2):

Ambry Genetics
Classification: Uncertain significance for Cardiovascular phenotype. Last evaluated: 2025-11-26. Review status: criteria provided, single submitter. Criteria: Ambry Variant Classification Scheme 2023. Collection method: clinical testing. Allele origin: germline.

Labcorp Genetics (formerly Invitae), Labcorp
Classification: Uncertain significance for Hypercholesterolemia, familial, 4. Last evaluated: 2020-12-06. Review status: criteria provided, single submitter. Criteria: Invitae Variant Classification Sherloc (09022015). Collection method: clinical testing. Allele origin: germline.
Comment: This sequence change replaces glutamic acid with lysine at codon 64 of the LDLRAP1 protein (p.Glu64Lys). The glutamic acid residue is highly conserved and there is a small physicochemical difference between glutamic acid and lysine. This variant is not present in population databases (ExAC no frequency). This variant has not been reported in the literature in individuals with LDLRAP1-related conditions. Algorithms developed to predict the effect of missense changes on protein structure and function are either unavailable or do not agree on the potential impact of this missense change (SIFT: "Deleterious"; PolyPhen-2: "Possibly Damaging"; Align-GVGD: "Class C0"). In summary, the available evidence is currently insufficient to determine the role of this variant in disease. Therefore, it has been classified as a Variant of Uncertain Significance.